The following is an entry in ClinVar:

ClinVar aggregate classification (germline): Pathogenic (1 of 4 stars; one submission).

Conditions:
Walker-Warburg congenital muscular dystrophy. Also called: Muscular dystrophy-dystroglycanopathy, type A; Walker-Warburg syndrome. Identifiers: Orphanet 899, MedGen C0265221, MONDO:0000171.

Submission:

Labcorp Genetics (formerly Invitae), Labcorp
Classification: Pathogenic for Walker-Warburg congenital muscular dystrophy. Last evaluated: 2022-07-12. Review status: criteria provided, single submitter. Criteria: Invitae Variant Classification Sherloc (09022015). Collection method: clinical testing. Allele origin: germline.
Comment: A gross deletion of the genomic region encompassing the full coding sequence of the FKTN gene has been identified. Loss-of-function variants in FKTN are known to be pathogenic (PMID: 17044012, 17878207, 18752264). The boundaries of this event are unknown as they extend beyond the assayed region for this gene and therefore may encompass additional genes. This variant has not been reported in the literature in individuals affected with FKTN-related conditions. For these reasons, this variant has been classified as Pathogenic.

Literature cited by the submitters: PubMed 17044012; PubMed 17878207; PubMed 18752264.

NC_000009.11:g.(?_108337314)_(108468054_?)del

Genes: FKTN (fukutin; plus strand), TAL2 (TAL bHLH transcription factor 2; plus strand), TMEM38B (transmembrane protein 38B; plus strand). Cytogenetic location: 9q31.2.
Variant type: Deletion.
Identifiers: ClinVar variation 1459095 (VCV001459095.37).